The following is an entry in ClinVar:

NM_007327.4(GRIN1):c.571-19A>C

Gene: GRIN1 (glutamate ionotropic receptor NMDA type subunit 1; plus strand). Cytogenetic location: 9q34.3.
Variant type: single nucleotide variant.
Coding change: c.571-19A>C on transcript NM_007327.4 (MANE Select); 19 bases into the intron before coding-DNA position 571, A replaced by C.
Molecular consequence: intron variant.
Genome position (GRCh38, 1-based): chr9:137,148,990, A>C. VCF-style: chr9-137148990-A-C. GRCh37 (hg19) VCF-style: chr9-140043442-A-C.
Other names: c.634-19A>C (NM_001185090.2, NM_001185091.2); c.571-19A>C (NM_021569.4, NM_000832.7).
Identifiers: ClinVar variation 511673 (VCV000511673.1), dbSNP rs1554767318, ClinGen allele CA658797378.

ClinVar aggregate classification (germline): Likely benign (1 of 4 stars; one submission).

Submission:

GeneDx
Classification: Likely benign. Last evaluated: 2017-08-23. Review status: criteria provided, single submitter. Criteria: GeneDx Variant Classification (06012015). Collection method: clinical testing. Allele origin: germline. Affected: yes.
Comment: This variant is considered likely benign or benign based on one or more of the following criteria: it is a conservative change, it occurs at a poorly conserved position in the protein, it is predicted to be benign by multiple in silico algorithms, and/or has population frequency not consistent with disease.